The following is an entry in ClinVar:

NM_001375567.1(FOCAD):c.3134C>T (p.Thr1045Met)

Gene: FOCAD (focadhesin; plus strand). Cytogenetic location: 9p21.3.
Variant type: single nucleotide variant.
Coding change: c.3134C>T on transcript NM_001375567.1 (MANE Select); coding-DNA position 3134, C replaced by T.
Protein change: p.Thr1045Met; replaces threonine 1045 with methionine.
Molecular consequence: missense variant.
Genome position (GRCh38, 1-based): chr9:20,929,413, C>T. VCF-style: chr9-20929413-C-T. GRCh37 (hg19) VCF-style: chr9-20929412-C-T.
Other names: c.3134C>T (NM_017794.3); c.3029C>T, p.Thr1010Met (NM_001375568.1, NM_001375570.1); c.3134C>T, p.Thr1045Met (NM_017794.5); short protein forms T1010M, T1045M.
Identifiers: ClinVar variation 2722415 (VCV002722415.4), dbSNP rs746401355, ClinGen allele CA5007445.

ClinVar aggregate classification (germline): Uncertain significance. Review status: criteria provided, multiple submitters, no conflicts (2 of 4 stars). 2 submissions from 2 submitters: Uncertain significance (2). Last evaluated 2025-08-13.

Conditions:
Inborn genetic diseases. Identifiers: MedGen C0950123, MeSH D030342.

Allele frequency attached by ClinVar (database versions not stated): TOPMed 0.00007.
gnomAD v4.1: 58 of 1,613,974 alleles (0.0036%); highest among the groups gnomAD compares: African/African-American, 0.011%; no homozygotes.

Submissions (2):

Ambry Genetics
Classification: Uncertain significance for Inborn genetic diseases. Last evaluated: 2025-08-13. Review status: criteria provided, single submitter. Criteria: Ambry Variant Classification Scheme 2023. Collection method: clinical testing. Allele origin: germline.

Labcorp Genetics (formerly Invitae), Labcorp
Classification: Uncertain significance. Last evaluated: 2024-01-04. Review status: criteria provided, single submitter. Criteria: Invitae Variant Classification Sherloc (09022015). Collection method: clinical testing. Allele origin: germline.
Comment: This sequence change replaces threonine, which is neutral and polar, with methionine, which is neutral and non-polar, at codon 1045 of the FOCAD protein (p.Thr1045Met). This variant is present in population databases (rs746401355, gnomAD 0.02%). This variant has not been reported in the literature in individuals affected with FOCAD-related conditions. Algorithms developed to predict the effect of missense changes on protein structure and function output the following: SIFT: "Not Available"; PolyPhen-2: "Not Available"; Align-GVGD: "Not Available". The methionine amino acid residue is found in multiple mammalian species, which suggests that this missense change does not adversely affect protein function. In summary, the available evidence is currently insufficient to determine the role of this variant in disease. Therefore, it has been classified as a Variant of Uncertain Significance.